The following is an entry in ClinVar:

ClinVar aggregate classification (germline): Conflicting classifications of pathogenicity. Review status: criteria provided, conflicting classifications (1 of 4 stars). 11 submissions from 11 submitters: Likely pathogenic (3); Uncertain significance (7). 1 of the submissions does not count toward it. Last evaluated 2026-10-02.

Conditions:
Familial thoracic aortic aneurysm and aortic dissection (TAAD). Also called: Thoracic aortic aneurysms and dissections. Identifiers: Orphanet 91387, MedGen C4707243, MONDO:0019625.
TGFBR1-related disorder. Also called: TGFBR1-related condition.
Loeys-Dietz syndrome (LDS). Identifiers: Orphanet 60030, MedGen C2697932, MONDO:0018954.
Loeys-Dietz syndrome 1 (LDS1). Also called: AORTIC ANEURYSM, FAMILIAL THORACIC 5; FURLONG SYNDROME; TGFBR1-Related Loeys-Dietz Syndrome. Identifiers: Orphanet 60030, MedGen C4551955, MONDO:0012212, OMIM 609192.
Multiple self-healing squamous epithelioma (MSSE). Also called: MULTIPLE SELF-HEALING SQUAMOUS EPITHELIOMA, SUSCEPTIBILITY TO. Identifiers: Orphanet 65748, MedGen C0546476, MONDO:0007566, OMIM 132800.

Allele frequency attached by ClinVar (database versions not stated): TOPMed below 0.00001; gnomAD 0.00001; gnomAD exomes 0.00001 and 0.00002; ExAC 0.00002.
gnomAD v4.1: 22 of 1,613,980 alleles (0.0014%); highest among the groups gnomAD compares: Non-Finnish European, 0.0019%; no homozygotes.

Submissions (11):

GeneDx
Classification: Uncertain significance. Last evaluated: 2026-10-02. Review status: criteria provided, single submitter. Criteria: GeneDx Variant Classification Process June 2021. Collection method: clinical testing. Allele origin: germline.
Comment: Identified in a patient with a history of recurrent deep vein thrombosis and renal artery dissection from a cohort of individuals with reportedly genetically or clinically-identified Loeys-Dietz syndrome (PMID: 41718126); In silico analysis supports that this missense variant has a deleterious effect on protein structure/function; Not observed at significant frequency in large population cohorts (gnomAD); This variant is associated with the following publications: (PMID: 27146836, 41718126)

Ambry Genetics
Classification: Likely pathogenic for Familial thoracic aortic aneurysm and aortic dissection. Last evaluated: 2026-07-01. Review status: criteria provided, single submitter. Criteria: Ambry Variant Classification Scheme 2023. Collection method: clinical testing. Allele origin: germline.
Comment: The c.844T>C (p.Y282H) alteration is located in exon 5 (coding exon 5) of the TGFBR1 gene. This alteration results from a T to C substitution at nucleotide position 844, causing the tyrosine (Y) at amino acid position 282 to be replaced by a histidine (H). for TGFBR1-related Loeys-Dietz Syndrome; however, its clinical significance for Susceptibility to multiple self-healing squamous epithelioma (MSSE) is uncertain. Based on data from gnomAD, the C allele has an overall frequency of 0.002% (4/251196) total alleles studied. The highest observed frequency was 0.004% (4/113508) of European (non-Finnish) alleles. This variant was reported in multiple individuals with features consistent with TGFBR1-related Loeys-Dietz syndrome (Poninska, 2016; external communication). This amino acid position is highly conserved in available vertebrate species. This alteration is predicted to be deleterious by in silico analysis. Based on the available evidence, this alteration is classified as likely pathogenic.

Labcorp Genetics (formerly Invitae), Labcorp
Classification: Likely pathogenic for Familial thoracic aortic aneurysm and aortic dissection. Last evaluated: 2025-12-16. Review status: criteria provided, single submitter. Criteria: Invitae Variant Classification Sherloc (09022015). Collection method: clinical testing. Allele origin: germline.
Comment: This sequence change replaces tyrosine, which is neutral and polar, with histidine, which is basic and polar, at codon 282 of the TGFBR1 protein (p.Tyr282His). This variant is present in population databases (rs755827803, gnomAD 0.004%). This missense change has been observed in individuals with TGFBR1-related conditions (PMID: 27146836; internal data). ClinVar contains an entry for this variant (Variation ID: 213881). Invitae Evidence Modeling of protein sequence and biophysical properties (such as structural, functional, and spatial information, amino acid conservation, physicochemical variation, residue mobility, and thermodynamic stability) indicates that this missense variant is expected to disrupt TGFBR1 protein function with a positive predictive value of 80%. In summary, the currently available evidence indicates that the variant is pathogenic, but additional data are needed to prove that conclusively. Therefore, this variant has been classified as Likely Pathogenic.

Institute of Human Genetics, Cologne University
Classification: Likely pathogenic for Loeys-Dietz syndrome 1. Last evaluated: 2025-01-22. Review status: criteria provided, single submitter. Criteria: ACMG Guidelines, 2015. Collection method: clinical testing. Allele origin: germline. Affected: yes.

Blueprint Genetics
Classification: Uncertain significance. Last evaluated: 2024-11-26. Review status: criteria provided, single submitter. Criteria: ACMG Guidelines, 2015. Collection method: clinical testing. Allele origin: germline.

All of Us Research Program, National Institutes of Health
Classification: Uncertain significance for Loeys-Dietz syndrome. Last evaluated: 2024-07-29. Review status: criteria provided, single submitter. Criteria: ACMG Guidelines, 2015. Collection method: clinical testing. Allele origin: germline. Inheritance: Autosomal dominant inheritance. Observed: 8 variant alleles, 8 heterozygotes.
Comment: This missense variant replaces tyrosine with histidine at codon 282 of the TGFBR1 protein. Computational prediction suggests that this variant may have deleterious impact on protein structure and function (internally defined REVEL score threshold >= 0.7, PMID: 27666373). Splice site prediction tools suggest that this variant may not impact RNA splicing. To our knowledge, functional studies have not been reported for this variant. This variant has been reported in 2 related individuals with thoracic aortic aneurysms and dissections (PMID:27146836). This variant has been identified in 4/251196 chromosomes in the general population by the Genome Aggregation Database (gnomAD). The available evidence is insufficient to determine the role of this variant in disease conclusively. Therefore, this variant is classified as a Variant of Uncertain Significance.

This study involves interpretation of variants in research participants for the purpose of population health screening. Participant phenotype was not available at the time of variant classification. Additional details can be found in publication PMID: 35346344, PMCID: PMC8962531

Color Diagnostics, LLC DBA Color Health
Classification: Uncertain significance for Familial thoracic aortic aneurysm and aortic dissection. Last evaluated: 2024-07-12. Review status: criteria provided, single submitter. Criteria: ACMG Guidelines, 2015. Collection method: clinical testing. Allele origin: germline.
Comment: This missense variant replaces tyrosine with histidine at codon 282 of the TGFBR1 protein. Computational prediction tools indicate that this variant has a deleterious impact on protein structure and function. To our knowledge, functional studies have not been reported for this variant. This variant has been reported in two related individuals with thoracic aortic aneurysms and dissections (PMID: 27146836). This variant has been identified in 4/251196 chromosomes in the general population by the Genome Aggregation Database (gnomAD). The available evidence is insufficient to determine the role of this variant in disease conclusively. Therefore, this variant is classified as a Variant of Uncertain Significance.

CeGaT Center for Human Genetics Tuebingen
Classification: Uncertain significance. Last evaluated: 2024-05-01. Review status: criteria provided, single submitter. Criteria: CeGaT Center For Human Genetics Tuebingen Variant Classification Criteria Version 2. Collection method: clinical testing. Allele origin: germline. Affected: yes. Observed: 1 variant allele.
Comment: TGFBR1: PM2:Supporting, PP3, PS4:Supporting

Women's Health and Genetics/Laboratory Corporation of America, LabCorp
Classification: Uncertain significance. Last evaluated: 2024-03-25. Review status: criteria provided, single submitter. Criteria: LabCorp Variant Classification Summary - May 2015. Collection method: clinical testing. Allele origin: germline.
Comment: Variant summary: TGFBR1 c.844T>C (p.Tyr282His) results in a conservative amino acid change located in the protein kinase domain (IPR000719) of the encoded protein sequence. Four of five in-silico tools predict a damaging effect of the variant on protein function. The variant allele was found at a frequency of 1.4e-05 in 1613980 control chromosomes (gnomAD). This frequency is not significantly higher than estimated for a pathogenic variant in TGFBR1 causing Thoracic Aortic Aneurysms And Dissections (1.4e-05 vs 2.5e-05), allowing no conclusion about variant significance. c.844T>C has been reported in the literature in a proband affected with Aortic Dissection and in the father with Thoracic Aortic Aneurysm (Poninska_2016). These data indicate that the variant may be associated with disease. To our knowledge, no experimental evidence demonstrating an impact on protein function has been reported. The following publication has been ascertained in the context of this evaluation (PMID: 27146836). ClinVar contains an entry for this variant (Variation ID: 213881). Based on the evidence outlined above, the variant was classified as VUS-possibly pathogenic.

Fulgent Genetics
Classification: Uncertain significance for Multiple self-healing squamous epithelioma; Loeys-Dietz syndrome 1. Last evaluated: 2021-11-13. Review status: criteria provided, single submitter. Criteria: ACMG Guidelines, 2015. Collection method: clinical testing. Allele origin: unknown.

PreventionGenetics, part of Exact Sciences
Classification: Uncertain significance for TGFBR1-related condition. Last evaluated: 2024-03-14. Review status: no assertion criteria provided. Collection method: clinical testing. Allele origin: germline. Not counted in ClinVar's aggregate classification.
Comment: The TGFBR1 c.844T>C variant is predicted to result in the amino acid substitution p.Tyr282His. This variant was reported in two family members with thoracic aortic aneurysms and dissections (Poninska et al. 2016. PubMed ID: 27146836). This variant is reported in 0.0035% of alleles in individuals of European (Non-Finnish) descent in gnomAD. At this time, the clinical significance of this variant is uncertain due to the absence of conclusive functional and genetic evidence.

Literature cited by the submitters: PubMed 27146836 (cited by 5 submitters).

NM_004612.4(TGFBR1):c.844T>C (p.Tyr282His)

Gene: TGFBR1 (transforming growth factor beta receptor 1; plus strand). Cytogenetic location: 9q22.33.
Variant type: single nucleotide variant.
Coding change: c.844T>C on transcript NM_004612.4 (MANE Select); coding-DNA position 844, T replaced by C.
Protein change: p.Tyr282His; replaces tyrosine 282 with histidine.
Molecular consequence: missense variant.
Genome position (GRCh38, 1-based): chr9:99,142,574, T>C. VCF-style: chr9-99142574-T-C. GRCh37 (hg19) VCF-style: chr9-101904856-T-C.
Other names: p.Y282H:TAT>CAT; c.613T>C, p.Tyr205His (NM_001130916.3); c.856T>C, p.Tyr286His (NM_001306210.2); c.844T>C (NM_004612.3); short protein forms Y282H, Y286H, Y205H.
Identifiers: ClinVar variation 213881 (VCV000213881.42), dbSNP rs755827803, ClinGen allele CA043241.